The following is an entry in ClinVar:

NM_004006.3(DMD):c.3779C>A (p.Thr1260Asn)

Gene: DMD (dystrophin; minus strand). Cytogenetic location: Xp21.1.
Variant type: single nucleotide variant.
Coding change: c.3779C>A on transcript NM_004006.3 (MANE Select); coding-DNA position 3779, C replaced by A.
Protein change: p.Thr1260Asn; replaces threonine 1260 with asparagine.
Molecular consequence: missense variant.
Genome position (GRCh38, 1-based): chrX:32,448,463, G>T on the plus strand (C>A on the coding strand, the complement: DMD is on the minus strand). VCF-style: chrX-32448463-G-T. GRCh37 (hg19) VCF-style: chrX-32466580-G-T.
Other names: c.3755C>A, p.Thr1252Asn (NM_000109.4); c.3767C>A, p.Thr1256Asn (NM_004009.3); c.3410C>A, p.Thr1137Asn (NM_004010.3); short protein forms T1137N, T1256N, T1252N, T1260N.
Identifiers: ClinVar variation 2155611 (VCV002155611.4), dbSNP rs1214358266, ClinGen allele CA412661581.
Genomic context (GRCh38, chrX:32,448,463, plus strand): 5'-CATATGACCATGTATTGACATATCATTGACAAAGACCAAGAAAAGCAACTGACTTCCAAA[G>T]TCTTGCATTTCCCATTCAGCCTAGTGCAGAGCCACTGGTAGTTGGTGGTTAGAGTTTCAA-3'
Protein context (NP_003997.2, residues 1250-1270): LCTRLNGKCK[Thr1260Asn]LEEVWACWHE

ClinVar aggregate classification (germline): Uncertain significance (1 of 4 stars; one submission).

Conditions:
Duchenne muscular dystrophy (DMD). Also called: MUSCULAR DYSTROPHY, PSEUDOHYPERTROPHIC PROGRESSIVE, DUCHENNE TYPE; Duchenne Muscular Dystrophy (DMD). Identifiers: Orphanet 98896, MedGen C0013264, MONDO:0010679, OMIM 310200.

Submission:

Labcorp Genetics (formerly Invitae), Labcorp
Classification: Uncertain significance for Duchenne muscular dystrophy. Last evaluated: 2022-07-16. Review status: criteria provided, single submitter. Criteria: Invitae Variant Classification Sherloc (09022015). Collection method: clinical testing. Allele origin: germline.
Comment: This sequence change replaces threonine, which is neutral and polar, with asparagine, which is neutral and polar, at codon 1260 of the DMD protein (p.Thr1260Asn). This variant is not present in population databases (gnomAD no frequency). This variant has not been reported in the literature in individuals affected with DMD-related conditions. In summary, the available evidence is currently insufficient to determine the role of this variant in disease. Therefore, it has been classified as a Variant of Uncertain Significance. Algorithms developed to predict the effect of missense changes on protein structure and function (SIFT, PolyPhen-2, Align-GVGD) all suggest that this variant is likely to be tolerated.